The following is an entry in ClinVar:

NM_004752.4(GCM2):c.129C>G (p.Asp43Glu)

Gene: GCM2 (GCM transcription factor 2; minus strand). Cytogenetic location: 6p24.2.
Variant type: single nucleotide variant.
Coding change: c.129C>G on transcript NM_004752.4 (MANE Select); coding-DNA position 129, C replaced by G.
Protein change: p.Asp43Glu; replaces aspartic acid 43 with glutamic acid.
Molecular consequence: missense variant.
Genome position (GRCh38, 1-based): chr6:10,877,354, G>C on the plus strand (C>G on the coding strand, the complement: GCM2 is on the minus strand). VCF-style: chr6-10877354-G-C. GRCh37 (hg19) VCF-style: chr6-10877587-G-C.
Other names: short protein forms D43E.
Identifiers: ClinVar variation 712584 (VCV000712584.10), dbSNP rs141188465, ClinGen allele CA3634157.

ClinVar aggregate classification (germline): Likely benign. Review status: criteria provided, multiple submitters, no conflicts (2 of 4 stars). 3 submissions from 3 submitters: Likely benign (3). Last evaluated 2025-06-13.

Conditions:
Hypoparathyroidism, familial isolated, 2. Identifiers: MedGen C5394383, MONDO:0020798, OMIM 618883.
Hyperparathyroidism 4 (HRPT4). Identifiers: MedGen C4479229, MONDO:0024570, OMIM 617343.
GCM2-related disorder. Also called: GCM2-related condition.

Allele frequency attached by ClinVar (database versions not stated): TOPMed 0.00086; ESP Exome Variant Server 0.00092; 1000 Genomes Project 0.00140; 1000 Genomes Project 30x 0.00156.

Submissions (3):

Labcorp Genetics (formerly Invitae), Labcorp
Classification: Likely benign. Last evaluated: 2025-06-13. Review status: criteria provided, single submitter. Criteria: Invitae Variant Classification Sherloc (09022015). Collection method: clinical testing. Allele origin: germline.

PreventionGenetics, part of Exact Sciences
Classification: Likely benign for GCM2-related condition. Last evaluated: 2025-03-20. Review status: criteria provided, single submitter. Criteria: ACMG Guidelines, 2015. Collection method: clinical testing. Allele origin: germline.
Comment: This variant is classified as likely benign based on ACMG/AMP sequence variant interpretation guidelines (Richards et al. 2015 PMID: 25741868, with internal and published modifications).

Fulgent Genetics
Classification: Likely benign for Hyperparathyroidism 4; Hypoparathyroidism, familial isolated, 2. Last evaluated: 2021-10-25. Review status: criteria provided, single submitter. Criteria: ACMG Guidelines, 2015. Collection method: clinical testing. Allele origin: unknown.